The following is an entry in ClinVar:

ClinVar aggregate classification (germline): Likely benign. Review status: criteria provided, multiple submitters, no conflicts (2 of 4 stars). 3 submissions from 3 submitters: Likely benign (2). 1 of the submissions does not count toward it. Last evaluated 2023-10-04.

Conditions:
NBN-related disorder. Also called: NBN-related condition.
Hereditary cancer-predisposing syndrome. Also called: Hereditary neoplastic syndrome; Neoplastic Syndromes, Hereditary; Tumor predisposition; Hereditary Cancer Syndrome. Identifiers: Orphanet 140162, MedGen C0027672, MeSH D009386, MONDO:0015356.
Microcephaly, normal intelligence and immunodeficiency (NBS). Also called: IMMUNODEFICIENCY, MICROCEPHALY, AND CHROMOSOMAL INSTABILITY; SEEMANOVA SYNDROME II; Nijmegen breakage syndrome; Microcephaly with normal intelligence immunodeficiency and lymphoreticular malignancies; Nonsyndromal microcephaly autosomal recessive with normal intelligence; Seemanova syndrome 2. Identifiers: Orphanet 647, MedGen C0398791, MONDO:0009623, OMIM 251260.

Allele frequency attached by ClinVar (database versions not stated): TOPMed below 0.00001.

Submissions (3):

Labcorp Genetics (formerly Invitae), Labcorp
Classification: Likely benign for Microcephaly, normal intelligence and immunodeficiency. Last evaluated: 2023-10-04. Review status: criteria provided, single submitter. Criteria: Invitae Variant Classification Sherloc (09022015). Collection method: clinical testing. Allele origin: germline.

Ambry Genetics
Classification: Likely benign for Hereditary cancer-predisposing syndrome. Last evaluated: 2016-05-12. Review status: criteria provided, single submitter. Criteria: Ambry Variant Classification Scheme 2023. Collection method: clinical testing. Allele origin: germline.

PreventionGenetics, part of Exact Sciences
Classification: Likely benign for NBN-related condition. Last evaluated: 2022-04-11. Review status: no assertion criteria provided. Collection method: clinical testing. Allele origin: germline. Not counted in ClinVar's aggregate classification.
Comment: This variant is classified as likely benign based on ACMG/AMP sequence variant interpretation guidelines (Richards et al. 2015 PMID: 25741868, with internal and published modifications).

NM_002485.5(NBN):c.2046A>G (p.Leu682=)

Gene: NBN (nibrin; minus strand). Cytogenetic location: 8q21.3.
Variant type: single nucleotide variant.
Coding change: c.2046A>G on transcript NM_002485.5 (MANE Select); coding-DNA position 2046, A replaced by G.
Protein change: p.Leu682=; no amino-acid change (leucine 682 retained).
Molecular consequence: synonymous variant.
Genome position (GRCh38, 1-based): chr8:89,946,164, T>C on the plus strand (A>G on the coding strand, the complement: NBN is on the minus strand). VCF-style: chr8-89946164-T-C. GRCh37 (hg19) VCF-style: chr8-90958392-T-C.
Other names: c.1800A>G, p.Leu600= (NM_001024688.3).
Identifiers: ClinVar variation 481843 (VCV000481843.20), dbSNP rs1554556481, ClinGen allele CA461837651.